The following is an entry in ClinVar:

ClinVar aggregate classification (germline): Uncertain significance. Review status: criteria provided, multiple submitters, no conflicts (2 of 4 stars). 7 submissions from 7 submitters: Uncertain significance (7). Last evaluated 2025-02-14.

Conditions:
Liddle syndrome 1 (LIDLS1). Also called: PSEUDOALDOSTERONISM. Identifiers: Orphanet 526, MedGen CN031472, MONDO:0020607, OMIM 177200.
Bronchiectasis with or without elevated sweat chloride 1 (BESC1). Also called: Cystic Fibrosis-Like Syndrome. Identifiers: Orphanet 60033, MedGen C2749757, MONDO:0008887, OMIM 211400.
Pseudohypoaldosteronism, type IB2, autosomal recessive (PHA1B2). Identifiers: MedGen C5774255, MONDO:0859317, OMIM 620125.

Allele frequency attached by ClinVar (database versions not stated): gnomAD 0.00004 and 0.00006; gnomAD exomes 0.00005 and 0.00011; TOPMed 0.00009; ExAC 0.00010; 1000 Genomes Project 30x 0.00016; 1000 Genomes Project 0.00020.
gnomAD v4.1: 87 of 1,612,376 alleles (0.0054%); highest among the groups gnomAD compares: East Asian, 0.067%; no homozygotes.

Submissions (7):

Revvity Omics, Revvity
Classification: Uncertain significance. Last evaluated: 2025-02-14. Review status: criteria provided, single submitter. Criteria: ACMG Guidelines, 2015. Collection method: clinical testing. Allele origin: germline.

Blueprint Genetics
Classification: Uncertain significance. Last evaluated: 2024-10-21. Review status: criteria provided, single submitter. Criteria: ACMG Guidelines, 2015. Collection method: clinical testing. Allele origin: germline.

Fulgent Genetics
Classification: Uncertain significance for Liddle syndrome 1; Bronchiectasis with or without elevated sweat chloride 1; Pseudohypoaldosteronism, type IB2, autosomal recessive. Last evaluated: 2024-03-20. Review status: criteria provided, single submitter. Criteria: ACMG Guidelines, 2015. Collection method: clinical testing. Allele origin: germline.

Women's Health and Genetics/Laboratory Corporation of America, LabCorp
Classification: Uncertain significance. Last evaluated: 2023-06-22. Review status: criteria provided, single submitter. Criteria: LabCorp Variant Classification Summary - May 2015. Collection method: clinical testing. Allele origin: germline.
Comment: Variant summary: SCNN1B c.1904G>A (p.Ser635Asn) results in a conservative amino acid change in the encoded protein sequence. Five of five in-silico tools predict a benign effect of the variant on protein function. The variant allele was found at a frequency of 0.00011 in 245776 control chromosomes (gnomAD). c.1904G>A has been reported in the literature in individuals affected with early-onset hypertension (Liu_2018). This report does not provide unequivocal conclusions about association of the variant with SCNN1B-Related Disorders. At least one publication reports experimental evidence evaluating an impact on protein function and found the variant was associated with a mild increase in epithelial sodium channel activity in a Xenopus oocyte expression system (Ray_2016); however, this does not allow convincing conclusions about the variant effect. The following publications have been ascertained in the context of this evaluation (PMID: 28915228, 27582106). Three submitters have cited clinical-significance assessments for this variant to ClinVar after 2014 and all classified the variant as uncertain significance. Based on the evidence outlined above, the variant was classified as uncertain significance.

Labcorp Genetics (formerly Invitae), Labcorp
Classification: Uncertain significance. Last evaluated: 2022-07-24. Review status: criteria provided, single submitter. Criteria: Invitae Variant Classification Sherloc (09022015). Collection method: clinical testing. Allele origin: germline.
Comment: This sequence change replaces serine, which is neutral and polar, with asparagine, which is neutral and polar, at codon 635 of the SCNN1B protein (p.Ser635Asn). This variant is present in population databases (rs13306629, gnomAD 0.08%). This missense change has been observed in individual(s) with early-onset hypertension (PMID: 28915228). ClinVar contains an entry for this variant (Variation ID: 499404). Algorithms developed to predict the effect of missense changes on protein structure and function output the following: SIFT: "Tolerated"; PolyPhen-2: "Benign"; Align-GVGD: "Class C0". The asparagine amino acid residue is found in multiple mammalian species, which suggests that this missense change does not adversely affect protein function. Experimental studies are conflicting or provide insufficient evidence to determine the effect of this variant on SCNN1B function (PMID: 27582106). In summary, the available evidence is currently insufficient to determine the role of this variant in disease. Therefore, it has been classified as a Variant of Uncertain Significance.

Eurofins Ntd Llc (ga)
Classification: Uncertain significance. Last evaluated: 2017-01-13. Review status: criteria provided, single submitter. Criteria: EGL Classification Definitions 2015. Collection method: clinical testing. Allele origin: germline. Observed: 1 variant allele, 1 heterozygote.

Breakthrough Genomics
Classification: Uncertain significance. Review status: criteria provided, single submitter. Criteria: ACMG Guidelines, 2015. Collection method: not provided. Allele origin: germline. Inheritance: Autosomal dominant inheritance. Affected: yes.

Literature cited by the submitters: PubMed 28915228 (cited by Women's Health and Genetics/Laboratory Corporation of America, LabCorp and Labcorp Genetics (formerly Invitae), Labcorp); PubMed 27582106 (cited by Women's Health and Genetics/Laboratory Corporation of America, LabCorp and Labcorp Genetics (formerly Invitae), Labcorp).

NM_000336.3(SCNN1B):c.1904G>A (p.Ser635Asn)

Gene: SCNN1B (sodium channel epithelial 1 subunit beta; plus strand). Cytogenetic location: 16p12.2.
Variant type: single nucleotide variant.
Coding change: c.1904G>A on transcript NM_000336.3 (MANE Select); coding-DNA position 1904, G replaced by A.
Protein change: p.Ser635Asn; replaces serine 635 with asparagine.
Molecular consequence: missense variant.
Genome position (GRCh38, 1-based): chr16:23,380,782, G>A. VCF-style: chr16-23380782-G-A. GRCh37 (hg19) VCF-style: chr16-23392103-G-A.
Other names: c.1904G>A (NM_000336.2); short protein forms S635N.
Identifiers: ClinVar variation 499404 (VCV000499404.12), dbSNP rs13306629, ClinGen allele CA7960676.
Genomic context (GRCh38, chr16:23,380,782, plus strand): 5'-CCCCGCCCCCCAACTATGACTCCCTGCGTCTGCAGCCGCTGGACGTCATCGAGTCTGACA[G>A]TGAGGGTGATGCCATCTAACCCTGCCCCTGCCCACCCCGGGCGGCTGAAACTCACTGAGC-3'
Protein context (NP_000327.2, residues 625-640): LQPLDVIESD[Ser635Asn]EGDAI